The following is an entry in ClinVar:

NM_001853.4(COL9A3):c.475C>T (p.Pro159Ser)

Gene: COL9A3 (collagen type IX alpha 3 chain; plus strand). Cytogenetic location: 20q13.33.
Variant type: single nucleotide variant.
Coding change: c.475C>T on transcript NM_001853.4 (MANE Select); coding-DNA position 475, C replaced by T.
Protein change: p.Pro159Ser; replaces proline 159 with serine.
Molecular consequence: missense variant.
Genome position (GRCh38, 1-based): chr20:62,822,162, C>T. VCF-style: chr20-62822162-C-T. GRCh37 (hg19) VCF-style: chr20-61453514-C-T.
Other names: short protein forms P159S.
Identifiers: ClinVar variation 3649930 (VCV003649930.2).

ClinVar aggregate classification (germline): Uncertain significance (1 of 4 stars; one submission).

gnomAD v4.1: 3 of 1,568,394 alleles (0.00019%); highest among the groups gnomAD compares: Admixed American, 0.0033%; no homozygotes.

Submission:

Labcorp Genetics (formerly Invitae), Labcorp
Classification: Uncertain significance. Last evaluated: 2024-04-15. Review status: criteria provided, single submitter. Criteria: Invitae Variant Classification Sherloc (09022015). Collection method: clinical testing. Allele origin: germline.
Comment: This sequence change replaces proline, which is neutral and non-polar, with serine, which is neutral and polar, at codon 159 of the COL9A3 protein (p.Pro159Ser). This variant is present in population databases (rs527349987, gnomAD 0.003%). This variant has not been reported in the literature in individuals affected with COL9A3-related conditions. Experimental studies and prediction algorithms are not available or were not evaluated, and the functional significance of this variant is currently unknown. In summary, the available evidence is currently insufficient to determine the role of this variant in disease. Therefore, it has been classified as a Variant of Uncertain Significance.